The following is an entry in ClinVar:

ClinVar aggregate classification (germline): Pathogenic (1 of 4 stars; one submission).

Conditions:
Cornelia de Lange syndrome 1 (CDLS1). Also called: NIPBL-Related Cornelia de Lange Syndrome; TYPUS DEGENERATIVUS AMSTELODAMENSIS; Brachmann de Lange syndrome. Identifiers: Orphanet 199, MedGen C4551851, MONDO:0007387, OMIM 122470.

Submission:

Labcorp Genetics (formerly Invitae), Labcorp
Classification: Pathogenic for Cornelia de Lange syndrome 1. Last evaluated: 2021-07-04. Review status: criteria provided, single submitter. Criteria: Invitae Variant Classification Sherloc (09022015). Collection method: clinical testing. Allele origin: germline.
Comment: For these reasons, this variant has been classified as Pathogenic. This variant has not been reported in the literature in individuals affected with NIPBL-related conditions. This variant is not present in population databases (ExAC no frequency). This sequence change creates a premature translational stop signal (p.Tyr1486Cysfs*104) in the NIPBL gene. It is expected to result in an absent or disrupted protein product. Loss-of-function variants in NIPBL are known to be pathogenic (PMID: 15318302, 19763162, 23505322, 29995837).

Literature cited by the submitters: PubMed 15318302; PubMed 19763162; PubMed 23505322; PubMed 29995837.

NM_133433.4(NIPBL):c.4455_4456dup (p.Tyr1486fs)

Gene: NIPBL (NIPBL cohesin loading factor; plus strand). Cytogenetic location: 5p13.2.
Variant type: Duplication.
Coding change: c.4455_4456dup on transcript NM_133433.4 (MANE Select); coding-DNA positions 4455 to 4456, 2 bases duplicated (GT; older notation c.4455_4456dupGT).
Protein change: p.Tyr1486fs; shifts the reading frame from tyrosine 1486.
Molecular consequence: frameshift variant.
Genome position (GRCh38, 1-based): chr5:37,010,120-37,010,121, GT duplicated; duplicating any 2 consecutive bases within chr5:37,010,119-37,010,121 gives the same sequence; the c. name uses the placement nearest the transcript's 3' end. VCF-style (leftmost placement, unchanged base first): chr5-37010118-A-ATG. GRCh37 (hg19) VCF-style: chr5-37010220-A-ATG.
Other names: c.4455_4456dup, p.Tyr1486fs (NM_015384.5); short protein forms Y1486fs.
Identifiers: ClinVar variation 1366117 (VCV001366117.6), dbSNP rs2149681441, ClinGen allele CA2573139628.
Genomic context (GRCh38, chr5:37,010,118, plus strand): 5'-TCCATACAAATTTTTTTTCTTCATTAAAGGTTAAACAGTAGTGATATGGATGGAGAACCT[A>ATG]TGTATATTCAGATGGTTACAGCACTGGTTTTACAACTTATTCAGTGTGTGGTACACTTAC-3'